The following is an entry in ClinVar:

ClinVar aggregate classification (germline): Pathogenic (1 of 4 stars; one submission).

Conditions:
LAMA2-related muscular dystrophy (LAMA2-RD). Also called: Laminin alpha 2-related dystrophy. Identifiers: MedGen C5679788, MONDO:0100228.

gnomAD v4.1: 1 of 1,612,816 alleles (0.000062%); highest among the groups gnomAD compares: African/African-American, 0.0013%; no homozygotes.

Submission:

Myriad Genetics, Inc.
Classification: Pathogenic for LAMA2-related muscular dystrophy. Last evaluated: 2024-02-03. Review status: criteria provided, single submitter. Criteria: Myriad Autosomal Dominant, Autosomal Recessive and X-Linked Classification Criteria (2023). Collection method: clinical testing. Allele origin: unknown.
Comment: NM_000426.3(LAMA2):c.6487A>T(K2163*) is expected to be pathogenic in the context of muscular dystrophy, LAMA2-related. This variant is predicted to lead to an abnormal or absent protein product due to the creation of a premature termination codon in LAMA2, a gene where loss-of-function variants are known to be pathogenic. Please note: this variant was assessed in the context of healthy population screening.

NM_000426.4(LAMA2):c.6487A>T (p.Lys2163Ter)

Gene: LAMA2 (laminin subunit alpha 2; plus strand). Cytogenetic location: 6q22.33.
Variant type: single nucleotide variant.
Coding change: c.6487A>T on transcript NM_000426.4 (MANE Select); coding-DNA position 6487, A replaced by T.
Protein change: p.Lys2163Ter; replaces lysine 2163 with a stop codon.
Molecular consequence: nonsense.
Genome position (GRCh38, 1-based): chr6:129,453,045, A>T. VCF-style: chr6-129453045-A-T. GRCh37 (hg19) VCF-style: chr6-129774190-A-T.
Other names: c.6487A>T, p.Lys2163Ter (NM_001079823.2); short protein forms K2163*.
Identifiers: ClinVar variation 5012704 (VCV005012704.1).
Genomic context (GRCh38, chr6:129,453,045, plus strand): 5'-AAGATCAAAGTATCTGTGTCTTCAGGAGGTGACTGCATTCGAACATACAAACCAGAAATC[A>T]AGAAAGGAAGTTACAATAATATTGTTGTCAACGTAAAGACAGCTGTTGCTGATAACCTCC-3'